The following is an entry in ClinVar:

NM_001942.4(DSG1):c.2248A>C (p.Thr750Pro)

Genes: DSG1 (desmoglein 1; plus strand), DSG1-AS1 (DSG1 antisense RNA 1; minus strand), LOC126862720 (MED14-independent group 3 enhancer GRCh37_chr18:28933613-28934812; plus strand). Cytogenetic location: 18q12.1.
Variant type: single nucleotide variant.
Coding change: c.2248A>C on transcript NM_001942.4 (MANE Select); coding-DNA position 2248, A replaced by C.
Protein change: p.Thr750Pro; replaces threonine 750 with proline.
Molecular consequence: missense variant. On other transcripts: non-coding transcript variant (1).
Genome position (GRCh38, 1-based): chr18:31,354,444, A>C. VCF-style: chr18-31354444-A-C. GRCh37 (hg19) VCF-style: chr18-28934407-A-C.
Other names: short protein forms T750P.
Identifiers: ClinVar variation 3610322 (VCV003610322.2).
Genomic context (GRCh38, chr18:31,354,444, plus strand): 5'-GCTGGCTCTGTGGGTTGTTGTAGCTTCATTGGAGAAGACCTGGATGACAGCTTCTTGGAT[A>C]CCCTGGGACCTAAATTTAAGAAGTTGGCAGACATCAGCCTAGGAAAAGAATCATATCCAG-3'
Protein context (NP_001933.2, residues 740-760): GEDLDDSFLD[Thr750Pro]LGPKFKKLAD

ClinVar aggregate classification (germline): Uncertain significance (1 of 4 stars; one submission).

gnomAD v4.1: 3 of 1,614,102 alleles (0.00019%); highest among the groups gnomAD compares: Admixed American, 0.005%; no homozygotes.

Submission:

Labcorp Genetics (formerly Invitae), Labcorp
Classification: Uncertain significance. Last evaluated: 2024-08-31. Review status: criteria provided, single submitter. Criteria: Invitae Variant Classification Sherloc (09022015). Collection method: clinical testing. Allele origin: germline.
Comment: This sequence change replaces threonine, which is neutral and polar, with proline, which is neutral and non-polar, at codon 750 of the DSG1 protein (p.Thr750Pro). This variant is present in population databases (no rsID available, gnomAD 0.003%). This variant has not been reported in the literature in individuals affected with DSG1-related conditions. Invitae Evidence Modeling of protein sequence and biophysical properties (such as structural, functional, and spatial information, amino acid conservation, physicochemical variation, residue mobility, and thermodynamic stability) indicates that this missense variant is not expected to disrupt DSG1 protein function with a negative predictive value of 80%. In summary, the available evidence is currently insufficient to determine the role of this variant in disease. Therefore, it has been classified as a Variant of Uncertain Significance.